The following is an entry in ClinVar:

ClinVar aggregate classification (germline): Conflicting classifications of pathogenicity. Review status: criteria provided, conflicting classifications (1 of 4 stars). 3 submissions from 3 submitters: Uncertain significance (2); Benign (1). Last evaluated 2025-06-10.

Conditions:
Hereditary breast ovarian cancer syndrome. Also called: Breast and ovarian cancer; Hereditary breast and ovarian cancer syndrome; Hereditary breast and ovarian cancer syndrome (HBOC); BRCA1- and BRCA2-Associated Hereditary Breast and Ovarian Cancer; Hereditary breast and ovarian cancer; Hereditary breast and/or ovarian cancer syndrome. Identifiers: Orphanet 145, MedGen C0677776, MeSH D061325, MONDO:0003582. Disease mechanism: loss of function.
Hereditary cancer-predisposing syndrome. Also called: Hereditary Cancer Syndrome; Hereditary neoplastic syndrome; Tumor predisposition; Neoplastic Syndromes, Hereditary. Identifiers: Orphanet 140162, MedGen C0027672, MeSH D009386, MONDO:0015356.

Allele frequency attached by ClinVar (database versions not stated): gnomAD 0.00001; TOPMed 0.00002.
gnomAD v4.1: 1 of 1,613,804 alleles (0.000062%); highest among the groups gnomAD compares: African/African-American, 0.0013%; no homozygotes.

Submissions (3):

Ambry Genetics
Classification: Benign for Hereditary cancer-predisposing syndrome. Last evaluated: 2025-06-10. Review status: criteria provided, single submitter. Criteria: Ambry Variant Classification Scheme 2023. Collection method: clinical testing. Allele origin: germline.

GeneDx
Classification: Uncertain significance. Last evaluated: 2021-01-25. Review status: criteria provided, single submitter. Criteria: GeneDx Variant Classification Process June 2021. Collection method: clinical testing. Allele origin: germline. Affected: yes.
Comment: Not observed in large population cohorts (Lek 2016); In silico analysis supports that this missense variant does not alter protein structure/function; Has not been previously published as pathogenic or benign to our knowledge; Also known as 9082A>T

Labcorp Genetics (formerly Invitae), Labcorp
Classification: Uncertain significance for Hereditary breast ovarian cancer syndrome. Last evaluated: 2019-12-19. Review status: criteria provided, single submitter. Criteria: Invitae Variant Classification Sherloc (09022015). Collection method: clinical testing. Allele origin: germline.
Comment: In summary, the available evidence is currently insufficient to determine the role of this variant in disease. Therefore, it has been classified as a Variant of Uncertain Significance. Algorithms developed to predict the effect of missense changes on protein structure and function output the following: SIFT: "Tolerated"; PolyPhen-2: "Benign"; Align-GVGD: "Class C0". The leucine amino acid residue is found in multiple mammalian species, suggesting that this missense change does not adversely affect protein function. These predictions have not been confirmed by published functional studies and their clinical significance is uncertain. This variant has not been reported in the literature in individuals with BRCA2-related conditions. This variant is not present in population databases (ExAC no frequency). This sequence change replaces methionine with leucine at codon 2952 of the BRCA2 protein (p.Met2952Leu). The methionine residue is weakly conserved and there is a small physicochemical difference between methionine and leucine.

NM_000059.4(BRCA2):c.8854A>T (p.Met2952Leu)

Gene: BRCA2 (BRCA2 DNA repair associated; plus strand). Cytogenetic location: 13q13.1.
Variant type: single nucleotide variant.
Coding change: c.8854A>T on transcript NM_000059.4 (MANE Select); coding-DNA position 8854, A replaced by T.
Protein change: p.Met2952Leu; replaces methionine 2952 with leucine.
Molecular consequence: missense variant.
Genome position (GRCh38, 1-based): chr13:32,379,416, A>T. VCF-style: chr13-32379416-A-T. GRCh37 (hg19) VCF-style: chr13-32953553-A-T.
Other names: short protein forms M2952L.
Identifiers: ClinVar variation 842867 (VCV000842867.15), dbSNP rs397508016, ClinGen allele CA387756299.
Genomic context (GRCh38, chr13:32,379,416, plus strand): 5'-CACAGGCAAATGTTGAATGATAAGAAACAAGCTCAGATCCAGTTGGAAATTAGGAAGGCC[A>T]TGGAATCTGCTGAACAAAAGGAACAAGGTTTATCAAGGGATGTCACAACCGTGTGGAAGT-3'
Protein context (NP_000050.3, residues 2942-2962): AQIQLEIRKA[Met2952Leu]ESAEQKEQGL